The following is an entry in ClinVar:

ClinVar aggregate classification (germline): Likely benign (1 of 4 stars; one submission).

Allele frequency attached by ClinVar (database versions not stated): gnomAD exomes below 0.00001; gnomAD 0.00001.
gnomAD v4.1: 3 of 1,359,078 alleles (0.00022%); highest among the groups gnomAD compares: Admixed American, 0.0073%; no homozygotes.

Submission:

GeneDx
Classification: Likely benign. Last evaluated: 2023-07-25. Review status: criteria provided, single submitter. Criteria: GeneDx Variant Classification Process June 2021. Collection method: clinical testing. Allele origin: germline. Affected: yes.
Comment: See Variant Classification Assertion Criteria.

NM_006015.6(ARID1A):c.299T>C (p.Leu100Pro)

Gene: ARID1A (AT-rich interaction domain 1A; plus strand). Cytogenetic location: 1p36.11.
Variant type: single nucleotide variant.
Coding change: c.299T>C on transcript NM_006015.6 (MANE Select); coding-DNA position 299, T replaced by C.
Protein change: p.Leu100Pro; replaces leucine 100 with proline.
Molecular consequence: missense variant.
Genome position (GRCh38, 1-based): chr1:26,696,702, T>C. VCF-style: chr1-26696702-T-C. GRCh37 (hg19) VCF-style: chr1-27023193-T-C.
Other names: c.299T>C, p.Leu100Pro (NM_139135.4); short protein forms L100P.
Identifiers: ClinVar variation 2574331 (VCV002574331.1), dbSNP rs1570538685, ClinGen allele CA339264821.